The following is an entry in ClinVar:

NM_000037.4(ANK1):c.655C>T (p.Leu219Phe)

Gene: ANK1 (ankyrin 1; minus strand). Cytogenetic location: 8p11.21.
Variant type: single nucleotide variant.
Coding change: c.655C>T on transcript NM_000037.4 (MANE Select); coding-DNA position 655, C replaced by T.
Protein change: p.Leu219Phe; replaces leucine 219 with phenylalanine.
Molecular consequence: missense variant.
Genome position (GRCh38, 1-based): chr8:41,724,512, G>A on the plus strand (C>T on the coding strand, the complement: ANK1 is on the minus strand). VCF-style: chr8-41724512-G-A. GRCh37 (hg19) VCF-style: chr8-41582030-G-A.
Other names: c.754C>T, p.Leu252Phe (NM_001142446.2); c.655C>T, p.Leu219Phe (NM_020475.3, NM_020476.3, NM_020477.3); short protein forms L252F, L219F.
Identifiers: ClinVar variation 4763066 (VCV004763066.1).

ClinVar aggregate classification (germline): Uncertain significance (1 of 4 stars; one submission).

Submission:

Labcorp Genetics (formerly Invitae), Labcorp
Classification: Uncertain significance. Last evaluated: 2025-08-21. Review status: criteria provided, single submitter. Criteria: Invitae Variant Classification Sherloc (09022015). Collection method: clinical testing. Allele origin: germline.
Comment: This sequence change replaces leucine, which is neutral and non-polar, with phenylalanine, which is neutral and non-polar, at codon 219 of the ANK1 protein (p.Leu219Phe). This variant is not present in population databases (gnomAD no frequency). This variant has not been reported in the literature in individuals affected with ANK1-related conditions. Invitae Evidence Modeling of protein sequence and biophysical properties (such as structural, functional, and spatial information, amino acid conservation, physicochemical variation, residue mobility, and thermodynamic stability) indicates that this missense variant is not expected to disrupt ANK1 protein function with a negative predictive value of 80%. In summary, the available evidence is currently insufficient to determine the role of this variant in disease. Therefore, it has been classified as a Variant of Uncertain Significance.